The following is an entry in ClinVar:

NM_001854.4(COL11A1):c.3168+5del

Gene: COL11A1 (collagen type XI alpha 1 chain; minus strand). Cytogenetic location: 1p21.1.
Variant type: Deletion.
Coding change: c.3168+5del on transcript NM_001854.4 (MANE Select); 5 bases into the intron after coding-DNA position 3168, one base deleted (G; older notation c.3168+5delG).
Molecular consequence: intron variant.
Genome position (GRCh38, 1-based): chr1:102,961,861, C deleted on the plus strand (G on the coding strand, the reverse complement: COL11A1 is on the minus strand). VCF-style (leftmost placement, unchanged base first): chr1-102961860-AC-A. GRCh37 (hg19) VCF-style: chr1-103427416-AC-A.
Other names: c.3051+5del (NM_001190709.2); c.3204+5del (NM_080629.3); c.2820+5del (NM_080630.4).
Identifiers: ClinVar variation 2717909 (VCV002717909.3), dbSNP rs2524921735, ClinGen allele CA2697552572.

ClinVar aggregate classification (germline): Uncertain significance (1 of 4 stars; one submission).

Submission:

Labcorp Genetics (formerly Invitae), Labcorp
Classification: Uncertain significance. Last evaluated: 2023-06-16. Review status: criteria provided, single submitter. Criteria: Invitae Variant Classification Sherloc (09022015). Collection method: clinical testing. Allele origin: germline.
Comment: In summary, the available evidence is currently insufficient to determine the role of this variant in disease. Therefore, it has been classified as a Variant of Uncertain Significance. Variants that disrupt the consensus splice site are a relatively common cause of aberrant splicing (PMID: 17576681, 9536098). Algorithms developed to predict the effect of sequence changes on RNA splicing suggest that this variant may disrupt the consensus splice site. This variant has not been reported in the literature in individuals affected with COL11A1-related conditions. This variant is not present in population databases (gnomAD no frequency). This sequence change falls in intron 41 of the COL11A1 gene. It does not directly change the encoded amino acid sequence of the COL11A1 protein. It affects a nucleotide within the consensus splice site.

Literature cited by the submitters: PubMed 17576681; PubMed 9536098.